The following is an entry in ClinVar:

NM_025179.4(PLXNA2):c.2081G>A (p.Arg694Gln)

Gene: PLXNA2 (plexin A2; minus strand). Cytogenetic location: 1q32.2.
Variant type: single nucleotide variant.
Coding change: c.2081G>A on transcript NM_025179.4 (MANE Select); coding-DNA position 2081, G replaced by A.
Protein change: p.Arg694Gln; replaces arginine 694 with glutamine.
Molecular consequence: missense variant.
Genome position (GRCh38, 1-based): chr1:208,092,802, C>T on the plus strand (G>A on the coding strand, the complement: PLXNA2 is on the minus strand). VCF-style: chr1-208092802-C-T. GRCh37 (hg19) VCF-style: chr1-208266147-C-T.
Other names: short protein forms R694Q.
Identifiers: ClinVar variation 3355990 (VCV003355990.1).

ClinVar aggregate classification (germline): Uncertain significance (0 of 4 stars; one submission).

Conditions:
PLXNA2-related disorder. Also called: PLXNA2-related condition.

gnomAD v4.1: 10 of 1,612,534 alleles (0.00062%); highest among the groups gnomAD compares: African/African-American, 0.0053%; no homozygotes.

Submission:

PreventionGenetics, part of Exact Sciences
Classification: Uncertain significance for PLXNA2-related condition. Last evaluated: 2024-07-09. Review status: no assertion criteria provided. Collection method: clinical testing. Allele origin: germline.
Comment: The PLXNA2 c.2081G>A variant is predicted to result in the amino acid substitution p.Arg694Gln. To our knowledge, this variant has not been reported in the literature. This variant is reported in 0.0080% of alleles in individuals of African descent in gnomAD. At this time, the clinical significance of this variant is uncertain due to the absence of conclusive functional and genetic evidence.